The following is an entry in ClinVar:

NM_015046.7(SETX):c.8024A>G (p.Lys2675Arg)

Gene: SETX (senataxin; minus strand). Cytogenetic location: 9q34.13.
Variant type: single nucleotide variant.
Coding change: c.8024A>G on transcript NM_015046.7 (MANE Select); coding-DNA position 8024, A replaced by G.
Protein change: p.Lys2675Arg; replaces lysine 2675 with arginine.
Molecular consequence: missense variant.
Genome position (GRCh38, 1-based): chr9:132,264,249, T>C on the plus strand (A>G on the coding strand, the complement: SETX is on the minus strand). VCF-style: chr9-132264249-T-C. GRCh37 (hg19) VCF-style: chr9-135139636-T-C.
Other names: c.8024A>G, p.Lys2675Arg (NM_001351527.2); c.8111A>G, p.Lys2704Arg (NM_001351528.2); short protein forms K2704R, K2675R.
Identifiers: ClinVar variation 4789528 (VCV004789528.1).
Genomic context (GRCh38, chr9:132,264,249, plus strand): 5'-TCTTCAGTTTACAATATGCTGTGGCTGCTGGCCCATGTCACTGGGCTTTCCTATAAAAGC[T>C]TTCTTTTCTTGGAACTGCTGTCCTCCTGCTCCAGTGTCCTCTTGTCCCACCTAGAGTTCC-3'
Protein context (NP_055861.3, residues 2665-2677): EQEDSSSKKR[Lys2675Arg]LL

ClinVar aggregate classification (germline): Uncertain significance (1 of 4 stars; one submission).

Conditions:
Spinocerebellar ataxia, autosomal recessive, with axonal neuropathy 2 (SCAN2). Also called: ATAXIA-OCULOMOTOR APRAXIA 2; Ataxia with Oculomotor Apraxia; Ataxia-ocular apraxia-2; Ataxia with Oculomotor Apraxia Type 2. Identifiers: Orphanet 64753, MedGen C1853761, MONDO:0018996, OMIM 606002.
Amyotrophic lateral sclerosis type 4 (ALS4). Also called: AMYOTROPHIC LATERAL SCLEROSIS 4, JUVENILE; NEURONOPATHY, DISTAL HEREDITARY MOTOR, WITH PYRAMIDAL FEATURES. Identifiers: Orphanet 357043, MedGen C1865409, MONDO:0011223, OMIM 602433.

Submission:

Labcorp Genetics (formerly Invitae), Labcorp
Classification: Uncertain significance for Amyotrophic lateral sclerosis type 4; Spinocerebellar ataxia, autosomal recessive, with axonal neuropathy 2. Last evaluated: 2025-05-17. Review status: criteria provided, single submitter. Criteria: Invitae Variant Classification Sherloc (09022015). Collection method: clinical testing. Allele origin: germline.
Comment: This sequence change replaces lysine, which is basic and polar, with arginine, which is basic and polar, at codon 2675 of the SETX protein (p.Lys2675Arg). This variant is not present in population databases (gnomAD no frequency). This variant has not been reported in the literature in individuals affected with SETX-related conditions. Invitae Evidence Modeling of protein sequence and biophysical properties (such as structural, functional, and spatial information, amino acid conservation, physicochemical variation, residue mobility, and thermodynamic stability) indicates that this missense variant is not expected to disrupt SETX protein function with a negative predictive value of 95%. In summary, the available evidence is currently insufficient to determine the role of this variant in disease. Therefore, it has been classified as a Variant of Uncertain Significance.